The following is an entry in ClinVar:

NM_000053.4(ATP7B):c.3964C>T (p.Arg1322Cys)

Gene: ATP7B (ATPase copper transporting beta; minus strand). Cytogenetic location: 13q14.3.
Variant type: single nucleotide variant.
Coding change: c.3964C>T on transcript NM_000053.4 (MANE Select); coding-DNA position 3964, C replaced by T.
Protein change: p.Arg1322Cys; replaces arginine 1322 with cysteine.
Molecular consequence: missense variant.
Genome position (GRCh38, 1-based): chr13:51,937,333, G>A on the plus strand (C>T on the coding strand, the complement: ATP7B is on the minus strand). VCF-style: chr13-51937333-G-A. GRCh37 (hg19) VCF-style: chr13-52511469-G-A.
Other names: p.Arg1322Cys; c.3343C>T, p.Arg1115Cys (NM_001005918.3); c.3631C>T, p.Arg1211Cys (NM_001243182.2); c.3730C>T, p.Arg1244Cys (NM_001330578.2); c.3712C>T, p.Arg1238Cys (NM_001330579.2); c.3964C>T (NM_000053.3); short protein forms R1115C, R1238C, R1211C, R1322C, R1244C.
Identifiers: ClinVar variation 1413182 (VCV001413182.8), dbSNP rs534984209, ClinGen allele CA6988525.
Genomic context (GRCh38, chr13:51,937,333, plus strand): 5'-TACCTGCTGCAATGGGTATCCCAACCAGGTTATAAATCAGTGCCAGGACCAGGTTGATGC[G>A]TATCCTTCGGACAGTCCTCTTGGAAAGGTGAATGCTAGCCACCACATCCAGCAAATCATT-3'
Protein context (NP_000044.2, residues 1312-1332): HLSKRTVRRI[Arg1322Cys]INLVLALIYN

ClinVar aggregate classification (germline): Conflicting classifications of pathogenicity. Review status: criteria provided, conflicting classifications (1 of 4 stars). 6 submissions from 6 submitters: Pathogenic (1); Likely pathogenic (1); Uncertain significance (4). Last evaluated 2024-05-30.

Conditions:
Wilson disease (WND). Also called: Wilson's disease. Identifiers: Orphanet 905, MedGen C0019202, MONDO:0010200, OMIM 277900. Disease mechanism: loss of function.

Allele frequency attached by ClinVar (database versions not stated): gnomAD 0.00001; gnomAD exomes 0.00002 and 0.00001; 1000 Genomes Project 0.00020; ExAC 0.00002; 1000 Genomes Project 30x 0.00031; TOPMed 0.00003.
gnomAD v4.1: 14 of 1,614,170 alleles (0.00087%); highest among the groups gnomAD compares: Admixed American, 0.01%; no homozygotes.

Submissions (6):

All of Us Research Program, National Institutes of Health
Classification: Uncertain significance for Wilson disease. Last evaluated: 2024-05-30. Review status: criteria provided, single submitter. Criteria: ACMG Guidelines, 2015. Collection method: clinical testing. Allele origin: germline. Inheritance: Autosomal recessive inheritance. Observed: 2 variant alleles, 2 heterozygotes.
Comment: This missense variant replaces arginine with cysteine at codon 1322 of the ATP7B protein. Computational prediction suggests that this variant may have deleterious impact on protein structure and function (internally defined REVEL score threshold >= 0.7, PMID: 27666373). To our knowledge, functional studies have not been reported for this variant. This variant has not been reported in individuals affected with ATP7B-related disorders in the literature. This variant has been identified in 5/249576 chromosomes in the general population by the Genome Aggregation Database (gnomAD). The available evidence is insufficient to determine the role of this variant in disease conclusively. Therefore, this variant is classified as a Variant of Uncertain Significance.

This study involves interpretation of variants in research participants for the purpose of population health screening. Participant phenotype was not available at the time of variant classification. Additional details can be found in publication PMID: 35346344, PMCID: PMC8962531

Mayo Clinic Laboratories, Mayo Clinic
Classification: Uncertain significance. Last evaluated: 2022-11-28. Review status: criteria provided, single submitter. Criteria: ACMG Guidelines, 2015. Collection method: clinical testing. Allele origin: germline. Observed: 2 variant alleles.
Comment: PP3, PM2

Labcorp Genetics (formerly Invitae), Labcorp
Classification: Uncertain significance for Wilson disease. Last evaluated: 2022-07-11. Review status: criteria provided, single submitter. Criteria: Invitae Variant Classification Sherloc (09022015). Collection method: clinical testing. Allele origin: germline.
Comment: This sequence change replaces arginine, which is basic and polar, with cysteine, which is neutral and slightly polar, at codon 1322 of the ATP7B protein (p.Arg1322Cys). This variant is present in population databases (rs534984209, gnomAD 0.01%). This variant has not been reported in the literature in individuals affected with ATP7B-related conditions. ClinVar contains an entry for this variant (Variation ID: 1413182). Advanced modeling of protein sequence and biophysical properties (such as structural, functional, and spatial information, amino acid conservation, physicochemical variation, residue mobility, and thermodynamic stability) performed at Invitae indicates that this missense variant is expected to disrupt ATP7B protein function. In summary, the available evidence is currently insufficient to determine the role of this variant in disease. Therefore, it has been classified as a Variant of Uncertain Significance.

Mendelics
Classification: Uncertain significance. Last evaluated: 2022-05-04. Review status: criteria provided, single submitter. Criteria: Mendelics Assertion Criteria 2019. Collection method: clinical testing. Allele origin: germline.

Clinical Genetics Service, Universitary Hospital 12 de Octubre
Classification: Pathogenic for Wilson disease. Review status: criteria provided, single submitter. Criteria: ACMG Guidelines, 2015. Collection method: clinical testing. Allele origin: germline. Affected: yes.

Kariminejad - Najmabadi Pathology & Genetics Center
Classification: Likely pathogenic for Wilson disease. Review status: criteria provided, single submitter. Criteria: ACMG Guidelines, 2015. Collection method: clinical testing. Allele origin: germline. Affected: no.